The following is an entry in ClinVar:

NM_183357.3(ADCY5):c.400GGC[2] (p.Gly136_Gly138del)

Gene: ADCY5 (adenylate cyclase 5; minus strand). Cytogenetic location: 3q21.1.
Variant type: Microsatellite.
Coding change: c.400GGC[2] on transcript NM_183357.3 (MANE Select); two copies in a row of the 3-base unit GGC starting at c.400; the reference has five copies in a row; three copies, 9 bases deleted.
Protein change: p.Gly136_Gly138del.
Molecular consequence: inframe deletion.
Genome position (GRCh38, 1-based): chr3:123,448,132-123,448,140, GCCGCCGCC deleted on the plus strand (GGCGGCGGC on the coding strand, the reverse complement: ADCY5 is on the minus strand); deleting any 9 consecutive bases within chr3:123,448,132-123,448,146 gives the same sequence; the position shown is the placement nearest the transcript's 3' end. VCF-style (leftmost placement, unchanged base first): chr3-123448131-AGCCGCCGCC-A. GRCh37 (hg19) VCF-style: chr3-123166978-AGCCGCCGCC-A.
Other names: c.400GGC[2], p.Gly136_Gly138del (NM_001378259.1).
Identifiers: ClinVar variation 1912020 (VCV001912020.5), dbSNP rs751167282, ClinGen allele CA898165406.

ClinVar aggregate classification (germline): Uncertain significance (1 of 4 stars; one submission).

Submission:

Labcorp Genetics (formerly Invitae), Labcorp
Classification: Uncertain significance. Last evaluated: 2024-09-05. Review status: criteria provided, single submitter. Criteria: Invitae Variant Classification Sherloc (09022015). Collection method: clinical testing. Allele origin: germline.
Comment: This variant, c.406_414del, results in the deletion of 3 amino acid(s) of the ADCY5 protein (p.Gly136_Gly138del), but otherwise preserves the integrity of the reading frame. The frequency data for this variant in the population databases is considered unreliable, as metrics indicate insufficient coverage at this position in the gnomAD database. This variant has not been reported in the literature in individuals affected with ADCY5-related conditions. Experimental studies and prediction algorithms are not available or were not evaluated, and the functional significance of this variant is currently unknown. In summary, the available evidence is currently insufficient to determine the role of this variant in disease. Therefore, it has been classified as a Variant of Uncertain Significance.